The following is an entry in ClinVar:

ClinVar aggregate classification (germline): Uncertain significance (1 of 4 stars; one submission).

Submission:

Labcorp Genetics (formerly Invitae), Labcorp
Classification: Uncertain significance. Last evaluated: 2024-06-17. Review status: criteria provided, single submitter. Criteria: Invitae Variant Classification Sherloc (09022015). Collection method: clinical testing. Allele origin: germline.
Comment: This sequence change replaces leucine, which is neutral and non-polar, with valine, which is neutral and non-polar, at codon 485 of the ERCC2 protein (p.Leu485Val). This variant is not present in population databases (gnomAD no frequency). This variant has not been reported in the literature in individuals affected with ERCC2-related conditions. ClinVar contains an entry for this variant (Variation ID: 2130913). Advanced modeling of protein sequence and biophysical properties (such as structural, functional, and spatial information, amino acid conservation, physicochemical variation, residue mobility, and thermodynamic stability) performed at Invitae indicates that this missense variant is expected to disrupt ERCC2 protein function with a positive predictive value of 80%. In summary, the available evidence is currently insufficient to determine the role of this variant in disease. Therefore, it has been classified as a Variant of Uncertain Significance.

NM_000400.4(ERCC2):c.1453C>G (p.Leu485Val)

Gene: ERCC2 (ERCC excision repair 2, TFIIH core complex helicase subunit; minus strand). Cytogenetic location: 19q13.32.
Variant type: single nucleotide variant.
Coding change: c.1453C>G on transcript NM_000400.4 (MANE Select); coding-DNA position 1453, C replaced by G.
Protein change: p.Leu485Val; replaces leucine 485 with valine.
Molecular consequence: missense variant.
Genome position (GRCh38, 1-based): chr19:45,357,296, G>C on the plus strand (C>G on the coding strand, the complement: ERCC2 is on the minus strand). VCF-style: chr19-45357296-G-C. GRCh37 (hg19) VCF-style: chr19-45860554-G-C.
Other names: short protein forms L485V.
Identifiers: ClinVar variation 2130913 (VCV002130913.4), dbSNP rs1972044590, ClinGen allele CA406367009.